The following is an entry in ClinVar:

NM_004484.4(GPC3):c.1537A>C (p.Met513Leu)

Gene: GPC3 (glypican 3; minus strand). Cytogenetic location: Xq26.2.
Variant type: single nucleotide variant.
Coding change: c.1537A>C on transcript NM_004484.4 (MANE Select); coding-DNA position 1537, A replaced by C.
Protein change: p.Met513Leu; replaces methionine 513 with leucine.
Molecular consequence: missense variant.
Genome position (GRCh38, 1-based): chrX:133,596,476, T>G on the plus strand (A>C on the coding strand, the complement: GPC3 is on the minus strand). VCF-style: chrX-133596476-T-G. GRCh37 (hg19) VCF-style: chrX-132730504-T-G.
Other names: c.1606A>C, p.Met536Leu (NM_001164617.2); c.1489A>C, p.Met497Leu (NM_001164618.2); c.1375A>C, p.Met459Leu (NM_001164619.2); short protein forms M497L, M513L, M459L, M536L.
Identifiers: ClinVar variation 854173 (VCV000854173.10), dbSNP rs2069916427, ClinGen allele CA414700875.

ClinVar aggregate classification (germline): Uncertain significance (1 of 4 stars; one submission).

Conditions:
Wilms tumor 1 (WT1). Also called: Wilms tumor, somatic. Identifiers: Orphanet 654, MedGen CN033288, MONDO:0008679, OMIM 194070.

Submission:

Labcorp Genetics (formerly Invitae), Labcorp
Classification: Uncertain significance for Wilms tumor 1. Last evaluated: 2023-08-17. Review status: criteria provided, single submitter. Criteria: Invitae Variant Classification Sherloc (09022015). Collection method: clinical testing. Allele origin: germline.
Comment: This sequence change replaces methionine, which is neutral and non-polar, with leucine, which is neutral and non-polar, at codon 513 of the GPC3 protein (p.Met513Leu). This variant is not present in population databases (gnomAD no frequency). This variant has not been reported in the literature in individuals affected with GPC3-related conditions. ClinVar contains an entry for this variant (Variation ID: 854173). An algorithm developed to predict the effect of missense changes on protein structure and function (PolyPhen-2) suggests that this variant is likely to be tolerated. In summary, the available evidence is currently insufficient to determine the role of this variant in disease. Therefore, it has been classified as a Variant of Uncertain Significance.